The following is an entry in ClinVar:

ClinVar aggregate classification (germline): Uncertain significance (1 of 4 stars; one submission).

Conditions:
Malignant hyperthermia, susceptibility to, 1 (MHS1). Also called: Anesthesia related hyperthermia; Malignant hyperpyrexia; Fulminating hyperpyrexia; Pharmacogenic myopathy; RYR1-Related Malignant Hyperthermia Susceptibility; Malignant hyperthermia suceptibility 1. Identifiers: Orphanet 423, MedGen C2930980, MONDO:0007783, OMIM 145600.

Allele frequency attached by ClinVar (database versions not stated): gnomAD 0.00001; TOPMed 0.00001.
gnomAD v4.1: 2 of 1,614,030 alleles (0.00012%); highest among the groups gnomAD compares: African/African-American, 0.0027%; no homozygotes.

Submission:

All of Us Research Program, National Institutes of Health
Classification: Uncertain significance for Malignant hyperthermia, susceptibility to, 1. Last evaluated: 2023-07-10. Review status: criteria provided, single submitter. Criteria: ACMG Guidelines, 2015. Collection method: clinical testing. Allele origin: germline. Inheritance: Autosomal dominant inheritance. Observed: 1 variant allele, 1 heterozygote.
Comment: This missense variant replaces threonine with isoleucine at codon 3305 of the RYR1 protein. Computational prediction suggests that this variant may have deleterious impact on protein structure and function (internally defined REVEL score threshold >= 0.7, PMID: 27666373). To our knowledge, functional studies have not been reported for this variant. This variant has not been reported in individuals affected with RYR1-related disorders in the literature. This variant has not been identified in the general population by the Genome Aggregation Database (gnomAD). The available evidence is insufficient to determine the role of this variant in disease conclusively. Therefore, this variant is classified as a Variant of Uncertain Significance.

This study involves interpretation of variants in research participants for the purpose of population health screening. Participant phenotype was not available at the time of variant classification. Additional details can be found in publication PMID: 35346344, PMCID: PMC8962531

NM_000540.3(RYR1):c.9914C>T (p.Thr3305Ile)

Gene: RYR1 (ryanodine receptor 1; plus strand). Cytogenetic location: 19q13.2.
Variant type: single nucleotide variant.
Coding change: c.9914C>T on transcript NM_000540.3 (MANE Select); coding-DNA position 9914, C replaced by T.
Protein change: p.Thr3305Ile; replaces threonine 3305 with isoleucine.
Molecular consequence: missense variant.
Genome position (GRCh38, 1-based): chr19:38,517,587, C>T. VCF-style: chr19-38517587-C-T. GRCh37 (hg19) VCF-style: chr19-39008227-C-T.
Other names: c.9914C>T, p.Thr3305Ile (NM_001042723.2); short protein forms T3305I.
Identifiers: ClinVar variation 3072348 (VCV003072348.1), dbSNP rs1307787022, ClinGen allele CA405692716.